The following is an entry in ClinVar:

ClinVar aggregate classification (germline): Conflicting classifications of pathogenicity. Review status: criteria provided, conflicting classifications (1 of 4 stars). 4 submissions from 4 submitters: Uncertain significance (2); Likely benign (1). 1 of the submissions does not count toward it. Last evaluated 2024-02-12.

Conditions:
ATP13A2-related disorder. Also called: ATP13A2-related disorders; ATP13A2-related condition.
Autosomal recessive spastic paraplegia type 78. Identifiers: Orphanet 513436, MedGen C5567893, MONDO:0014975, OMIM 617225.
Kufor-Rakeb syndrome (KRS). Also called: PARKINSON DISEASE 9, AUTOSOMAL RECESSIVE, JUVENILE-ONSET. Identifiers: Orphanet 306674, Orphanet 314632, MedGen C1847640, MONDO:0011706, OMIM 606693.
Inborn genetic diseases. Identifiers: MedGen C0950123, MeSH D030342.

Allele frequency attached by ClinVar (database versions not stated): gnomAD 0.00003; gnomAD exomes 0.00004; ExAC 0.00006; TOPMed 0.00009.
gnomAD v4.1: 67 of 1,613,130 alleles (0.0042%); highest among the groups gnomAD compares: South Asian, 0.046%; no homozygotes.

Submissions (4):

Ambry Genetics
Classification: Likely benign for Inborn genetic diseases. Last evaluated: 2024-02-12. Review status: criteria provided, single submitter. Criteria: Ambry Variant Classification Scheme 2023. Collection method: clinical testing. Allele origin: germline.

GeneDx
Classification: Uncertain significance. Last evaluated: 2023-06-20. Review status: criteria provided, single submitter. Criteria: GeneDx Variant Classification Process June 2021. Collection method: clinical testing. Allele origin: germline. Affected: yes.
Comment: In silico analysis supports that this missense variant has a deleterious effect on protein structure/function; Has not been previously published as pathogenic or benign to our knowledge

Labcorp Genetics (formerly Invitae), Labcorp
Classification: Uncertain significance for Kufor-Rakeb syndrome; Autosomal recessive spastic paraplegia type 78. Last evaluated: 2022-11-08. Review status: criteria provided, single submitter. Criteria: Invitae Variant Classification Sherloc (09022015). Collection method: clinical testing. Allele origin: germline.
Comment: In summary, the available evidence is currently insufficient to determine the role of this variant in disease. Therefore, it has been classified as a Variant of Uncertain Significance. Advanced modeling of protein sequence and biophysical properties (such as structural, functional, and spatial information, amino acid conservation, physicochemical variation, residue mobility, and thermodynamic stability) performed at Invitae indicates that this missense variant is not expected to disrupt ATP13A2 protein function. This variant has not been reported in the literature in individuals affected with ATP13A2-related conditions. This variant is present in population databases (rs757019364, gnomAD 0.03%). This sequence change replaces arginine, which is basic and polar, with tryptophan, which is neutral and slightly polar, at codon 989 of the ATP13A2 protein (p.Arg989Trp).

PreventionGenetics, part of Exact Sciences
Classification: Uncertain significance for ATP13A2-related condition. Last evaluated: 2024-08-02. Review status: no assertion criteria provided. Collection method: clinical testing. Allele origin: germline. Not counted in ClinVar's aggregate classification.
Comment: The ATP13A2 c.2965C>T variant is predicted to result in the amino acid substitution p.Arg989Trp. To our knowledge, this variant has not been reported in the literature. This variant is reported in 0.036% of alleles in individuals of South Asian descent in gnomAD. At this time, the clinical significance of this variant is uncertain due to the absence of conclusive functional and genetic evidence.

NM_022089.4(ATP13A2):c.2965C>T (p.Arg989Trp)

Gene: ATP13A2 (ATPase cation transporting 13A2; minus strand). Cytogenetic location: 1p36.13.
Variant type: single nucleotide variant.
Coding change: c.2965C>T on transcript NM_022089.4 (MANE Select); coding-DNA position 2965, C replaced by T.
Protein change: p.Arg989Trp; replaces arginine 989 with tryptophan.
Molecular consequence: missense variant.
Genome position (GRCh38, 1-based): chr1:16,987,164, G>A on the plus strand (C>T on the coding strand, the complement: ATP13A2 is on the minus strand). VCF-style: chr1-16987164-G-A. GRCh37 (hg19) VCF-style: chr1-17313659-G-A.
Other names: c.2950C>T, p.Arg984Trp (NM_001141973.3); c.2833C>T, p.Arg945Trp (NM_001141974.3); c.2965C>T (NM_022089.3, NM_022089.2); short protein forms R989W, R945W, R984W.
Identifiers: ClinVar variation 1965682 (VCV001965682.6), dbSNP rs757019364, ClinGen allele CA636657.